The following is an entry in ClinVar:

NM_000497.4(CYP11B1):c.*318A>G

Gene: CYP11B1 (cytochrome P450 family 11 subfamily B member 1; minus strand). Cytogenetic location: 8q24.3.
Variant type: single nucleotide variant.
Coding change: c.*318A>G on transcript NM_000497.4 (MANE Select); 318 bases downstream of the stop codon, A replaced by G.
Molecular consequence: 3 prime UTR variant.
Genome position (GRCh38, 1-based): chr8:142,874,055, T>C on the plus strand (A>G on the coding strand, the complement: CYP11B1 is on the minus strand). VCF-style: chr8-142874055-T-C. GRCh37 (hg19) VCF-style: chr8-143955471-T-C.
Other names: c.*318A>G (NM_001026213.1).
Identifiers: ClinVar variation 362140 (VCV000362140.6), dbSNP rs5299, ClinGen allele CA10630399.
Genomic context (GRCh38, chr8:142,874,055, plus strand): 5'-GAGGAACAGGGACATGTGAGACTAGGCAGGAAGGCAAGGGACAAAACCACAGCACCCTTG[T>C]ATGGCCACACGAGGAGCCTGGAGCCAGCACTGGGAGGGATGGGGGCAAACTGCCCAGAGG-3'

ClinVar aggregate classification (germline): Benign. Review status: criteria provided, multiple submitters, no conflicts (2 of 4 stars). 3 submissions from 2 submitters: Benign (3). Last evaluated 2018-01-13.

Conditions:
Glucocorticoid-remediable aldosteronism. Also called: Hyperaldosteronism, familial, type I; ACTH-DEPENDENT HYPERALDOSTERONISM SYNDROME; ALDOSTERONISM, SENSITIVE TO DEXAMETHASONE; FH I; GLUCOCORTICOID-SUPPRESSIBLE HYPERALDOSTERONISM. Identifiers: Orphanet 403, MedGen C3838731, MONDO:0007080, OMIM 103900.
Deficiency of steroid 11-beta-monooxygenase (CYP11B1). Also called: ADRENAL HYPERPLASIA, CONGENITAL, DUE TO STEROID 11-BETA-HYDROXYLASE DEFICIENCY; 11-BETA-HYDROXYLASE DEFICIENCY; ADRENAL HYPERPLASIA IV; P450C11B1 DEFICIENCY; STEROID 11-BETA-HYDROXYLASE DEFICIENCY; Congenital adrenal hyperplasia due to 11-beta-hydroxylase deficiency. Identifiers: Orphanet 90795, MedGen C0268292, MONDO:0008729, OMIM 202010. Disease mechanism: loss of function.

Allele frequency attached by ClinVar (database versions not stated): gnomAD 0.60710 and 0.61447; TOPMed 0.61292; gnomAD exomes 0.61883; 1000 Genomes Project 30x 0.69254; 1000 Genomes Project 0.69569.
gnomAD v4.1: 271,316 of 439,742 alleles (62%); highest among the groups gnomAD compares: East Asian, 84%; 85,169 homozygotes.

Submissions (3):

Illumina Laboratory Services, Illumina
Classification: Benign for Deficiency of steroid 11-beta-monooxygenase. Last evaluated: 2018-01-13. Review status: criteria provided, single submitter. Criteria: ICSL Variant Classification Criteria 13 December 2019. Collection method: clinical testing. Allele origin: germline.
Comment: This variant was observed in the ICSL laboratory as part of a predisposition screen in an ostensibly healthy population. It had not been previously curated by ICSL or reported in the Human Gene Mutation Database (HGMD: prior to June 1st, 2018), and was therefore a candidate for classification through an automated scoring system. Utilizing variant allele frequency, disease prevalence and penetrance estimates, and inheritance mode, an automated score was calculated to assess if this variant is too frequent to cause the disease. Based on the score and internal cut-off values, a variant classified as benign is not then subjected to further curation. The score for this variant resulted in a classification of benign for this disease.

Illumina Laboratory Services, Illumina
Classification: Benign for Glucocorticoid-remediable aldosteronism. Last evaluated: 2018-01-13. Review status: criteria provided, single submitter. Criteria: ICSL Variant Classification Criteria 13 December 2019. Collection method: clinical testing. Allele origin: germline.
Comment: the same text as in the submission from Illumina Laboratory Services, Illumina above.

Breakthrough Genomics
Classification: Benign. Review status: criteria provided, single submitter. Criteria: ACMG Guidelines, 2015. Collection method: not provided. Allele origin: germline. Inheritance: Autosomal recessive inheritance. Affected: yes.